The following is an entry in ClinVar:

NM_005120.3(MED12):c.2631C>G (p.Phe877Leu)

Gene: MED12 (mediator complex subunit 12; plus strand). Cytogenetic location: Xq13.1.
Variant type: single nucleotide variant.
Coding change: c.2631C>G on transcript NM_005120.3 (MANE Select); coding-DNA position 2631, C replaced by G.
Protein change: p.Phe877Leu; replaces phenylalanine 877 with leucine.
Molecular consequence: missense variant.
Genome position (GRCh38, 1-based): chrX:71,126,430, C>G. VCF-style: chrX-71126430-C-G. GRCh37 (hg19) VCF-style: chrX-70346280-C-G.
Other names: short protein forms F877L.
Identifiers: ClinVar variation 2718291 (VCV002718291.3), dbSNP rs751190759, ClinGen allele CA413515879.

ClinVar aggregate classification (germline): Uncertain significance (1 of 4 stars; one submission).

Conditions:
FG syndrome (FGS). Identifiers: MedGen C0220769, MONDO:0002010.

Submission:

Labcorp Genetics (formerly Invitae), Labcorp
Classification: Uncertain significance for FG syndrome. Last evaluated: 2024-04-08. Review status: criteria provided, single submitter. Criteria: Invitae Variant Classification Sherloc (09022015). Collection method: clinical testing. Allele origin: germline.
Comment: This sequence change replaces phenylalanine, which is neutral and non-polar, with leucine, which is neutral and non-polar, at codon 877 of the MED12 protein (p.Phe877Leu). This variant is not present in population databases (gnomAD no frequency). This variant has not been reported in the literature in individuals affected with MED12-related conditions. Advanced modeling of protein sequence and biophysical properties (such as structural, functional, and spatial information, amino acid conservation, physicochemical variation, residue mobility, and thermodynamic stability) performed at Invitae indicates that this missense variant is expected to disrupt MED12 protein function with a positive predictive value of 95%. In summary, the available evidence is currently insufficient to determine the role of this variant in disease. Therefore, it has been classified as a Variant of Uncertain Significance.